The following is an entry in ClinVar:

ClinVar aggregate classification (germline): Uncertain significance (1 of 4 stars; one submission).

Conditions:
Cornelia de Lange syndrome 1 (CDLS1). Also called: NIPBL-Related Cornelia de Lange Syndrome; Brachmann de Lange syndrome; TYPUS DEGENERATIVUS AMSTELODAMENSIS. Identifiers: Orphanet 199, MedGen C4551851, MONDO:0007387, OMIM 122470.

Allele frequency attached by ClinVar (database versions not stated): gnomAD exomes below 0.00001; TOPMed below 0.00001.
gnomAD v4.1: 1 of 1,613,582 alleles (0.000062%); highest among the groups gnomAD compares: Non-Finnish European, 0.000085%; no homozygotes.

Submission:

Labcorp Genetics (formerly Invitae), Labcorp
Classification: Uncertain significance for Cornelia de Lange syndrome 1. Last evaluated: 2023-11-27. Review status: criteria provided, single submitter. Criteria: Invitae Variant Classification Sherloc (09022015). Collection method: clinical testing. Allele origin: germline.
Comment: This sequence change replaces leucine, which is neutral and non-polar, with valine, which is neutral and non-polar, at codon 297 of the NIPBL protein (p.Leu297Val). This variant is not present in population databases (gnomAD no frequency). This variant has not been reported in the literature in individuals affected with NIPBL-related conditions. Advanced modeling of protein sequence and biophysical properties (such as structural, functional, and spatial information, amino acid conservation, physicochemical variation, residue mobility, and thermodynamic stability) performed at Invitae indicates that this missense variant is not expected to disrupt NIPBL protein function with a negative predictive value of 95%. In summary, the available evidence is currently insufficient to determine the role of this variant in disease. Therefore, it has been classified as a Variant of Uncertain Significance.

NM_133433.4(NIPBL):c.889C>G (p.Leu297Val)

Gene: NIPBL (NIPBL cohesin loading factor; plus strand). Cytogenetic location: 5p13.2.
Variant type: single nucleotide variant.
Coding change: c.889C>G on transcript NM_133433.4 (MANE Select); coding-DNA position 889, C replaced by G.
Protein change: p.Leu297Val; replaces leucine 297 with valine.
Molecular consequence: missense variant.
Genome position (GRCh38, 1-based): chr5:36,975,796, C>G. VCF-style: chr5-36975796-C-G. GRCh37 (hg19) VCF-style: chr5-36975898-C-G.
Other names: c.889C>G, p.Leu297Val (NM_015384.5); short protein forms L297V.
Identifiers: ClinVar variation 2981652 (VCV002981652.3), dbSNP rs1743372780, ClinGen allele CA359482245.
Genomic context (GRCh38, chr5:36,975,796, plus strand): 5'-AACCACCACAACTGTTACTTCTATCGAATTATTTTTCTAGGCTCAAGACCACCTTTAATC[C>G]TACAATCTCAGTCTCTACCTTGTTCATCACCTCGAGATGTTCCACCAGATATCTTGCTAG-3'
Protein context (NP_597677.2, residues 287-307): TPKGSRPPLI[Leu297Val]QSQSLPCSSP